The following is an entry in ClinVar:

ClinVar aggregate classification (germline): Uncertain significance (1 of 4 stars; one submission).

Conditions:
Bethlem myopathy 1A. Also called: MYOPATHY, BENIGN CONGENITAL, WITH CONTRACTURES; Bethlem Muscular Dystrophy; Bethlem myopathy 1. Identifiers: Orphanet 610, MedGen CN029274, MONDO:0024530, OMIM 158810.

Submission:

Labcorp Genetics (formerly Invitae), Labcorp
Classification: Uncertain significance for Bethlem myopathy 1A. Last evaluated: 2019-12-02. Review status: criteria provided, single submitter. Criteria: Invitae Variant Classification Sherloc (09022015). Collection method: clinical testing. Allele origin: germline.
Comment: This variant has not been reported in the literature in individuals with COL6A2-related conditions. In summary, the available evidence is currently insufficient to determine the role of this variant in disease. Therefore, it has been classified as a Variant of Uncertain Significance. This variant results in a copy number gain of the genomic region encompassing exons 2-4 of the COL6A2 gene, which includes the initiator codon. The 5' end of this event is unknown as it extends beyond the assayed region for this gene and therefore may encompass additional genes. The 3' boundary is likely confined to intron 4 of the COL6A2 gene. As the precise location of this event is unknown, it may be in tandem or it may be located elsewhere in the genome.

NC_000021.9:g.(?_46111467)_(46112834_?)dup

Gene: COL6A2 (collagen type VI alpha 2 chain; plus strand). Cytogenetic location: 21q22.3.
Variant type: Duplication.
Identifiers: ClinVar variation 831338 (VCV000831338.8).